The following is an entry in ClinVar:

NM_000540.3(RYR1):c.5956A>G (p.Met1986Val)

Gene: RYR1 (ryanodine receptor 1; plus strand). Cytogenetic location: 19q13.2.
Variant type: single nucleotide variant.
Coding change: c.5956A>G on transcript NM_000540.3 (MANE Select); coding-DNA position 5956, A replaced by G.
Protein change: p.Met1986Val; replaces methionine 1986 with valine.
Molecular consequence: missense variant.
Genome position (GRCh38, 1-based): chr19:38,490,217, A>G. VCF-style: chr19-38490217-A-G. GRCh37 (hg19) VCF-style: chr19-38980857-A-G.
Other names: c.5956A>G, p.Met1986Val (NM_001042723.2); short protein forms M1986V.
Identifiers: ClinVar variation 3072947 (VCV003072947.1), dbSNP rs2514252421, ClinGen allele CA405660566.

ClinVar aggregate classification (germline): Uncertain significance (1 of 4 stars; one submission).

Conditions:
Malignant hyperthermia, susceptibility to, 1 (MHS1). Also called: Anesthesia related hyperthermia; Malignant hyperpyrexia; Fulminating hyperpyrexia; Pharmacogenic myopathy; RYR1-Related Malignant Hyperthermia Susceptibility; Malignant hyperthermia suceptibility 1. Identifiers: Orphanet 423, MedGen C2930980, MONDO:0007783, OMIM 145600.

Allele frequency attached by ClinVar (database versions not stated): gnomAD exomes 0.00001.

Submission:

All of Us Research Program, National Institutes of Health
Classification: Uncertain significance for Malignant hyperthermia, susceptibility to, 1. Last evaluated: 2023-08-15. Review status: criteria provided, single submitter. Criteria: ACMG Guidelines, 2015. Collection method: clinical testing. Allele origin: germline. Inheritance: Autosomal dominant inheritance. Observed: 1 variant allele, 1 heterozygote.
Comment: This missense variant replaces methionine with valine at codon 1986 of the RYR1 protein. Computational prediction is inconclusive regarding the impact of this variant on protein structure and function (internally defined REVEL score threshold 0.5 < inconclusive < 0.7, PMID: 27666373). To our knowledge, functional studies have not been reported for this variant. This variant has not been reported in individuals affected with RYR1-related disorders in the literature. This variant has not been identified in the general population by the Genome Aggregation Database (gnomAD). The available evidence is insufficient to determine the role of this variant in disease conclusively. Therefore, this variant is classified as a Variant of Uncertain Significance.

This study involves interpretation of variants in research participants for the purpose of population health screening. Participant phenotype was not available at the time of variant classification. Additional details can be found in publication PMID: 35346344, PMCID: PMC8962531